The following is an entry in ClinVar:

NM_001080477.4(TENM3):c.4190C>T (p.Ala1397Val)

Gene: TENM3 (teneurin transmembrane protein 3; plus strand). Cytogenetic location: 4q35.1.
Variant type: single nucleotide variant.
Coding change: c.4190C>T on transcript NM_001080477.4 (MANE Select); coding-DNA position 4190, C replaced by T.
Protein change: p.Ala1397Val; replaces alanine 1397 with valine.
Molecular consequence: missense variant.
Genome position (GRCh38, 1-based): chr4:182,754,557, C>T. VCF-style: chr4-182754557-C-T. GRCh37 (hg19) VCF-style: chr4-183675710-C-T.
Other names: c.3422C>T, p.Ala1141Val (NM_001415960.1); c.3395C>T, p.Ala1132Val (NM_001415961.1); c.3392C>T, p.Ala1131Val (NM_001415962.1); c.3374C>T, p.Ala1125Val (NM_001415963.1); c.3371C>T, p.Ala1124Val (NM_001415964.1); c.3908C>T, p.Ala1303Val (NM_001415966.1); c.3932C>T, p.Ala1311Val (NM_001415967.1); c.4208C>T, p.Ala1403Val (NM_001415968.1); and 4 more; short protein forms A1131V, A1403V, A1125V, A1304V, A1124V, A1141V, A1396V, A1397V.
Identifiers: ClinVar variation 2058737 (VCV002058737.6), dbSNP rs368773604, ClinGen allele CA3148396.
Genomic context (GRCh38, chr4:182,754,557, plus strand): 5'-CTGCTGGACGGCCCATGCACTGTCAGGTTCCCGGAGTGGAATATCCTGTGGGGAAGCACG[C>T]GGTGCAGACAACACTGGAATCAGCCACTGCCATTGCTGTGTCCTACAGTGGGGTCCTGTA-3'
Protein context (NP_001073946.1, residues 1387-1407): PGVEYPVGKH[Ala1397Val]VQTTLESATA

ClinVar aggregate classification (germline): Uncertain significance. Review status: criteria provided, multiple submitters, no conflicts (2 of 4 stars). 2 submissions from 2 submitters: Uncertain significance (2). Last evaluated 2025-05-01.

Conditions:
Inborn genetic diseases. Identifiers: MedGen C0950123, MeSH D030342.

Allele frequency attached by ClinVar (database versions not stated): ExAC 0.00007; ESP Exome Variant Server 0.00008; gnomAD 0.00015; 1000 Genomes Project 0.00020; TOPMed 0.00023; 1000 Genomes Project 30x 0.00031.
gnomAD v4.1: 66 of 1,613,918 alleles (0.0041%); highest among the groups gnomAD compares: African/African-American, 0.039%; no homozygotes.

Submissions (2):

Ambry Genetics
Classification: Uncertain significance for Inborn genetic diseases. Last evaluated: 2025-05-01. Review status: criteria provided, single submitter. Criteria: Ambry Variant Classification Scheme 2023. Collection method: clinical testing. Allele origin: germline.

Labcorp Genetics (formerly Invitae), Labcorp
Classification: Uncertain significance. Last evaluated: 2022-02-18. Review status: criteria provided, single submitter. Criteria: Invitae Variant Classification Sherloc (09022015). Collection method: clinical testing. Allele origin: germline.
Comment: In summary, the available evidence is currently insufficient to determine the role of this variant in disease. Therefore, it has been classified as a Variant of Uncertain Significance. Algorithms developed to predict the effect of missense changes on protein structure and function are either unavailable or do not agree on the potential impact of this missense change (SIFT: "Deleterious"; PolyPhen-2: "Benign"; Align-GVGD: "Class C0"). This variant has not been reported in the literature in individuals affected with TENM3-related conditions. This variant is present in population databases (rs368773604, gnomAD 0.04%). This sequence change replaces alanine, which is neutral and non-polar, with valine, which is neutral and non-polar, at codon 1397 of the TENM3 protein (p.Ala1397Val).